The following is an entry in ClinVar:

NM_000059.4(BRCA2):c.3172A>C (p.Lys1058Gln)

Gene: BRCA2 (BRCA2 DNA repair associated; plus strand). Cytogenetic location: 13q13.1.
Variant type: single nucleotide variant.
Coding change: c.3172A>C on transcript NM_000059.4 (MANE Select); coding-DNA position 3172, A replaced by C.
Protein change: p.Lys1058Gln; replaces lysine 1058 with glutamine.
Molecular consequence: missense variant.
Genome position (GRCh38, 1-based): chr13:32,337,527, A>C. VCF-style: chr13-32337527-A-C. GRCh37 (hg19) VCF-style: chr13-32911664-A-C.
Other names: short protein forms K1058Q.
Identifiers: ClinVar variation 660545 (VCV000660545.15), dbSNP rs730881521, ClinGen allele CA387775809.

ClinVar aggregate classification (germline): Conflicting classifications of pathogenicity. Review status: criteria provided, conflicting classifications (1 of 4 stars). 4 submissions from 4 submitters: Uncertain significance (3); Likely benign (1). Last evaluated 2023-12-13.

Conditions:
Hereditary breast ovarian cancer syndrome. Also called: BRCA1- and BRCA2-Associated Hereditary Breast and Ovarian Cancer; Hereditary breast and ovarian cancer syndrome; Hereditary breast and ovarian cancer syndrome (HBOC); Hereditary breast and/or ovarian cancer syndrome; Breast and ovarian cancer; Hereditary breast and ovarian cancer. Identifiers: Orphanet 145, MedGen C0677776, MeSH D061325, MONDO:0003582. Disease mechanism: loss of function.
Hereditary cancer-predisposing syndrome. Also called: Hereditary neoplastic syndrome; Neoplastic Syndromes, Hereditary; Hereditary Cancer Syndrome; Tumor predisposition. Identifiers: Orphanet 140162, MedGen C0027672, MeSH D009386, MONDO:0015356.

Submissions (4):

Ambry Genetics
Classification: Uncertain significance for Hereditary cancer-predisposing syndrome. Last evaluated: 2023-12-13. Review status: criteria provided, single submitter. Criteria: Ambry Variant Classification Scheme 2023. Collection method: clinical testing. Allele origin: germline.
Comment: The p.K1058Q variant (also known as c.3172A>C), located in coding exon 10 of the BRCA2 gene, results from an A to C substitution at nucleotide position 3172. The lysine at codon 1058 is replaced by glutamine, an amino acid with similar properties. This amino acid position is not well conserved in available vertebrate species. In addition, this alteration is predicted to be tolerated by in silico analysis. Since supporting evidence is limited at this time, the clinical significance of this alteration remains unclear.

Labcorp Genetics (formerly Invitae), Labcorp
Classification: Uncertain significance for Hereditary breast ovarian cancer syndrome. Last evaluated: 2023-06-15. Review status: criteria provided, single submitter. Criteria: Invitae Variant Classification Sherloc (09022015). Collection method: clinical testing. Allele origin: germline.
Comment: This sequence change replaces lysine, which is basic and polar, with glutamine, which is neutral and polar, at codon 1058 of the BRCA2 protein (p.Lys1058Gln). This variant is not present in population databases (gnomAD no frequency). This variant has not been reported in the literature in individuals affected with BRCA2-related conditions. ClinVar contains an entry for this variant (Variation ID: 660545). Advanced modeling of protein sequence and biophysical properties (such as structural, functional, and spatial information, amino acid conservation, physicochemical variation, residue mobility, and thermodynamic stability) performed at Invitae indicates that this missense variant is not expected to disrupt BRCA2 protein function. In summary, the available evidence is currently insufficient to determine the role of this variant in disease. Therefore, it has been classified as a Variant of Uncertain Significance.

University of Washington Department of Laboratory Medicine, University of Washington
Classification: Likely benign for Hereditary cancer-predisposing syndrome. Last evaluated: 2023-03-23. Review status: criteria provided, single submitter. Criteria: Dines et al. (Genet Med. 2020). Collection method: curation. Allele origin: germline.
Comment: Missense variant in a coldspot region where missense variants are very unlikely to be pathogenic (PMID:31911673).

BRCA2 exon 11 coldspot. Reclassification based on statistical prior probability.

Color Diagnostics, LLC DBA Color Health
Classification: Uncertain significance for Hereditary cancer-predisposing syndrome. Last evaluated: 2019-01-28. Review status: criteria provided, single submitter. Criteria: ACMG Guidelines, 2015. Collection method: clinical testing. Allele origin: germline.